The following is an entry in ClinVar:

ClinVar aggregate classification (germline): Likely benign. Review status: criteria provided, multiple submitters, no conflicts (2 of 4 stars). 2 submissions from 2 submitters: Likely benign (2). Last evaluated 2018-01-13.

Conditions:
Gelatinous droplike corneal dystrophy (GDLD). Also called: AMYLOID CORNEAL DYSTROPHY, JAPANESE TYPE. Identifiers: Orphanet 98957, MedGen C0339273, MONDO:0008777, OMIM 204870.

Allele frequency attached by ClinVar (database versions not stated): 1000 Genomes Project 30x 0.00172; 1000 Genomes Project 0.00200; gnomAD 0.00478 and 0.00488; TOPMed 0.00485; gnomAD exomes 0.00496.
gnomAD v4.1: 973 of 201,416 alleles (0.48%); highest among the groups gnomAD compares: Admixed American, 0.76%; 11 homozygotes.

Submissions (2):

Illumina Laboratory Services, Illumina
Classification: Likely benign for Gelatinous droplike corneal dystrophy. Last evaluated: 2018-01-13. Review status: criteria provided, single submitter. Criteria: ICSL Variant Classification Criteria 13 December 2019. Collection method: clinical testing. Allele origin: germline.
Comment: This variant was observed in the ICSL laboratory as part of a predisposition screen in an ostensibly healthy population. It had not been previously curated by ICSL or reported in the Human Gene Mutation Database (HGMD: prior to June 1st, 2018), and was therefore a candidate for classification through an automated scoring system. Utilizing variant allele frequency, disease prevalence and penetrance estimates, and inheritance mode, an automated score was calculated to assess if this variant is too frequent to cause the disease. Based on the score and internal cut-off values, a variant classified as likely benign is not then subjected to further curation. The score for this variant resulted in a classification of likely benign for this disease.

Breakthrough Genomics
Classification: Likely benign. Review status: criteria provided, single submitter. Criteria: ACMG Guidelines, 2015. Collection method: not provided. Allele origin: germline. Inheritance: Autosomal recessive inheritance. Affected: yes.

NM_002353.3(TACSTD2):c.*396T>C

Gene: TACSTD2 (tumor associated calcium signal transducer 2; minus strand). Cytogenetic location: 1p32.1.
Variant type: single nucleotide variant.
Coding change: c.*396T>C on transcript NM_002353.3 (MANE Select); 396 bases downstream of the stop codon, T replaced by C.
Molecular consequence: 3 prime UTR variant.
Genome position (GRCh38, 1-based): chr1:58,575,789, A>G on the plus strand (T>C on the coding strand, the complement: TACSTD2 is on the minus strand). VCF-style: chr1-58575789-A-G. GRCh37 (hg19) VCF-style: chr1-59041461-A-G.
Identifiers: ClinVar variation 297755 (VCV000297755.6), dbSNP rs41313365, ClinGen allele CA10611307.